The following is an entry in ClinVar:

ClinVar aggregate classification (germline): Uncertain significance (1 of 4 stars; one submission).

Conditions:
Norman-Roberts syndrome (LIS2). Also called: Lissencephaly 2 (Norman-Roberts type). Identifiers: Orphanet 89844, MedGen C0796089, MONDO:0009760, OMIM 257320.
Familial temporal lobe epilepsy 7. Identifiers: Orphanet 101046, MedGen C4225327, MONDO:0014639, OMIM 616436.

Allele frequency attached by ClinVar (database versions not stated): gnomAD exomes below 0.00001; gnomAD 0.00002; TOPMed 0.00003.
gnomAD v4.1: 9 of 1,560,176 alleles (0.00058%); highest among the groups gnomAD compares: Non-Finnish European, 0.0008%; no homozygotes.

Submission:

Labcorp Genetics (formerly Invitae), Labcorp
Classification: Uncertain significance for Familial temporal lobe epilepsy 7; Norman-Roberts syndrome. Last evaluated: 2024-10-22. Review status: criteria provided, single submitter. Criteria: Invitae Variant Classification Sherloc (09022015). Collection method: clinical testing. Allele origin: germline.
Comment: This sequence change replaces glutamine, which is neutral and polar, with leucine, which is neutral and non-polar, at codon 1507 of the RELN protein (p.Gln1507Leu). This variant is present in population databases (no rsID available, gnomAD 0.003%). This variant has not been reported in the literature in individuals affected with RELN-related conditions. Invitae Evidence Modeling of protein sequence and biophysical properties (such as structural, functional, and spatial information, amino acid conservation, physicochemical variation, residue mobility, and thermodynamic stability) has been performed for this missense variant. However, the output from this modeling did not meet the statistical confidence thresholds required to predict the impact of this variant on RELN protein function. In summary, the available evidence is currently insufficient to determine the role of this variant in disease. Therefore, it has been classified as a Variant of Uncertain Significance.

NM_005045.4(RELN):c.4520A>T (p.Gln1507Leu)

Gene: RELN (reelin; minus strand). Cytogenetic location: 7q22.1.
Variant type: single nucleotide variant.
Coding change: c.4520A>T on transcript NM_005045.4 (MANE Select); coding-DNA position 4520, A replaced by T.
Protein change: p.Gln1507Leu; replaces glutamine 1507 with leucine.
Molecular consequence: missense variant.
Genome position (GRCh38, 1-based): chr7:103,572,252, T>A on the plus strand (A>T on the coding strand, the complement: RELN is on the minus strand). VCF-style: chr7-103572252-T-A. GRCh37 (hg19) VCF-style: chr7-103212699-T-A.
Other names: c.4520A>T, p.Gln1507Leu (NM_173054.3); short protein forms Q1507L.
Identifiers: ClinVar variation 2940366 (VCV002940366.3), dbSNP rs977784275, ClinGen allele CA163918645.